The following is an entry in ClinVar:

NM_000492.4(CFTR):c.1982T>C (p.Ile661Thr)

Gene: CFTR (CF transmembrane conductance regulator; plus strand). Cytogenetic location: 7q31.2.
Variant type: single nucleotide variant.
Coding change: c.1982T>C on transcript NM_000492.4 (MANE Select); coding-DNA position 1982, T replaced by C.
Protein change: p.Ile661Thr; replaces isoleucine 661 with threonine.
Molecular consequence: missense variant.
Genome position (GRCh38, 1-based): chr7:117,592,149, T>C. VCF-style: chr7-117592149-T-C. GRCh37 (hg19) VCF-style: chr7-117232203-T-C.
Other names: short protein forms I661T.
Identifiers: ClinVar variation 3231842 (VCV003231842.2), dbSNP rs1239044735, ClinGen allele CA368979132.

ClinVar aggregate classification (germline): Uncertain significance (1 of 4 stars; one submission).

Conditions:
Cystic fibrosis (CF). Also called: MUCOVISCIDOSIS. Identifiers: Orphanet 586, MedGen C0010674, MONDO:0009061, OMIM 219700. Disease mechanism: loss of function.

Allele frequency attached by ClinVar (database versions not stated): gnomAD exomes below 0.00001.
gnomAD v4.1: 1 of 1,613,964 alleles (0.000062%); highest among the groups gnomAD compares: Admixed American, 0.0017%; no homozygotes.

Submission:

Ambry Genetics
Classification: Uncertain significance for Cystic fibrosis. Last evaluated: 2025-11-28. Review status: criteria provided, single submitter. Criteria: Ambry Variant Classification Scheme 2023. Collection method: clinical testing. Allele origin: germline.
Comment: The p.I661T variant (also known as c.1982T>C), located in coding exon 14 of the CFTR gene, results from a T to C substitution at nucleotide position 1982. The isoleucine at codon 661 is replaced by threonine, an amino acid with similar properties. This amino acid position is highly conserved in available vertebrate species. In addition, this alteration is predicted to be deleterious by in silico analysis. Since supporting evidence is limited at this time, the clinical significance of this alteration remains unclear.